The following is an entry in ClinVar:

ClinVar aggregate classification (germline): Uncertain significance (1 of 4 stars; one submission).

Conditions:
Epidermolysis bullosa simplex, Ogna type (EBS5A). Also called: Pidermolysis bullosa simplex 5A, Ogna type; EPIDERMOLYSIS BULLOSA SIMPLEX 5A, OGNA TYPE. Identifiers: Orphanet 79401, MedGen C0432317, MONDO:0007555, OMIM 131950.
Autosomal recessive limb-girdle muscular dystrophy type 2Q (LGMDR17). Also called: MUSCULAR DYSTROPHY, LIMB-GIRDLE, AUTOSOMAL RECESSIVE 17. Identifiers: Orphanet 254361, MedGen C3150989, MONDO:0013390, OMIM 613723.
Epidermolysis bullosa simplex with nail dystrophy (EBS5D). Identifiers: MedGen C4225309, MONDO:0014661, OMIM 616487.
Epidermolysis bullosa simplex 5B, with muscular dystrophy (EBS5B). Also called: Epidermolysis bullosa simplex with muscular dystrophy; EPIDERMOLYSIS BULLOSA SIMPLEX AND LIMB-GIRDLE MUSCULAR DYSTROPHY. Identifiers: Orphanet 257, MedGen C2931072, MONDO:0009181, OMIM 226670.
Epidermolysis bullosa simplex 5C, with pyloric atresia (EBS5C). Also called: PLEC-Related Epidermolysis Bullosa with Pyloric Atresia; Epidermolysis bullosa simplex with pyloric atresia; PLEC1-Related Epidermolysis Bullosa with Pyloric Atresia. Identifiers: Orphanet 158684, MedGen C2677349, MONDO:0012807, OMIM 612138.

Allele frequency attached by ClinVar (database versions not stated): ExAC 0.00001; gnomAD exomes 0.00001 and 0.00002; TOPMed 0.00001; gnomAD 0.00003.
gnomAD v4.1: 14 of 1,604,778 alleles (0.00087%); highest among the groups gnomAD compares: East Asian, 0.025%; no homozygotes.

Submission:

Labcorp Genetics (formerly Invitae), Labcorp
Classification: Uncertain significance for Autosomal recessive limb-girdle muscular dystrophy type 2Q; Epidermolysis bullosa simplex, Ogna type; Epidermolysis bullosa simplex with nail dystrophy; Epidermolysis bullosa simplex 5C, with pyloric atresia; Epidermolysis bullosa simplex 5B, with muscular dystrophy. Last evaluated: 2022-08-23. Review status: criteria provided, single submitter. Criteria: Invitae Variant Classification Sherloc (09022015). Collection method: clinical testing. Allele origin: germline.
Comment: Algorithms developed to predict the effect of missense changes on protein structure and function are either unavailable or do not agree on the potential impact of this missense change (SIFT: "Deleterious"; PolyPhen-2: "Not Available"; Align-GVGD: "Class C0"). ClinVar contains an entry for this variant (Variation ID: 641510). This variant has not been reported in the literature in individuals affected with PLEC-related conditions. This variant is present in population databases (rs782107862, gnomAD 0.04%). This sequence change replaces aspartic acid, which is acidic and polar, with asparagine, which is neutral and polar, at codon 113 of the PLEC protein (p.Asp113Asn). In summary, the available evidence is currently insufficient to determine the role of this variant in disease. Therefore, it has been classified as a Variant of Uncertain Significance.

NM_201384.3(PLEC):c.256G>A (p.Asp86Asn)

Gene: PLEC (plectin; minus strand). Cytogenetic location: 8q24.3.
Variant type: single nucleotide variant.
Coding change: c.256G>A on transcript NM_201384.3 (MANE Select); coding-DNA position 256, G replaced by A.
Protein change: p.Asp86Asn; replaces aspartic acid 86 with asparagine.
Molecular consequence: missense variant.
Genome position (GRCh38, 1-based): chr8:143,938,159, C>T on the plus strand (G>A on the coding strand, the complement: PLEC is on the minus strand). VCF-style: chr8-143938159-C-T. GRCh37 (hg19) VCF-style: chr8-145012327-C-T.
Other names: c.337G>A, p.Asp113Asn (NM_000445.5); c.214G>A, p.Asp72Asn (NM_201378.4); c.190G>A, p.Asp64Asn (NM_201379.3); c.667G>A, p.Asp223Asn (NM_201380.4); c.160G>A, p.Asp54Asn (NM_201381.3); c.256G>A, p.Asp86Asn (NM_201382.4); c.268G>A, p.Asp90Asn (NM_201383.3); short protein forms D54N, D90N, D223N, D64N, D86N, D113N, D72N.
Identifiers: ClinVar variation 641510 (VCV000641510.6), dbSNP rs782107862, ClinGen allele CA4928558.
Genomic context (GRCh38, chr8:143,938,159, plus strand): 5'-GAGGTCTCCAGGTGGGGCAGGCGGGGCCCGGAGGGGGCAGGGGCACACGTACCAGGCTGT[C>T]CCCCGAGAGGACCTCCAGCAGGGAGATGAGGTTGTGGCCATCGCGGAGGTCTTCATACAG-3'
Protein context (NP_958786.1, residues 76-96): LISLLEVLSG[Asp86Asn]SLPREKGRMR